The following is an entry in ClinVar:

ClinVar aggregate classification (germline): Uncertain significance (1 of 4 stars; one submission).

Conditions:
RAI1-related disorder. Also called: RAI1-related condition.

Submission:

PreventionGenetics, part of Exact Sciences
Classification: Uncertain significance for RAI1-related condition. Last evaluated: 2026-06-08. Review status: criteria provided, single submitter. Criteria: ACMG Guidelines, 2015. Collection method: clinical testing. Allele origin: germline.
Comment: The RAI1 c.3658C>T variant is predicted to result in the amino acid substitution p.His1220Tyr. To our knowledge, this variant has not been reported in the literature or in a large population database (gnomAD), indicating this variant is rare. At this time, the clinical significance of this variant is uncertain due to the absence of conclusive functional and genetic evidence.

NM_030665.4(RAI1):c.3658C>T (p.His1220Tyr)

Gene: RAI1 (retinoic acid induced 1; plus strand). Cytogenetic location: 17p11.2.
Variant type: single nucleotide variant.
Coding change: c.3658C>T on transcript NM_030665.4 (MANE Select); coding-DNA position 3658, C replaced by T.
Protein change: p.His1220Tyr; replaces histidine 1220 with tyrosine.
Molecular consequence: missense variant.
Genome position (GRCh38, 1-based): chr17:17,796,606, C>T. VCF-style: chr17-17796606-C-T. GRCh37 (hg19) VCF-style: chr17-17699920-C-T.
Other names: short protein forms H1220Y.
Identifiers: ClinVar variation 4992104 (VCV004992104.1).